The following is an entry in ClinVar:

ClinVar aggregate classification (germline): Likely pathogenic (1 of 4 stars; one submission).

Submission:

Labcorp Genetics (formerly Invitae), Labcorp
Classification: Likely pathogenic. Last evaluated: 2023-10-18. Review status: criteria provided, single submitter. Criteria: Invitae Variant Classification Sherloc (09022015). Collection method: clinical testing. Allele origin: germline.
Comment: This sequence change replaces glycine, which is neutral and non-polar, with aspartic acid, which is acidic and polar, at codon 297 of the COL2A1 protein (p.Gly297Asp). This variant is not present in population databases (gnomAD no frequency). This variant has not been reported in the literature in individuals affected with COL2A1-related conditions. Advanced modeling of protein sequence and biophysical properties (such as structural, functional, and spatial information, amino acid conservation, physicochemical variation, residue mobility, and thermodynamic stability) performed at Invitae indicates that this missense variant is expected to disrupt COL2A1 protein function. This variant disrupts the triple helix domain of COL2A1. Glycine residues within the Gly-Xaa-Yaa repeats of the triple helix domain are required for the structure and stability of fibrillar collagens (PMID: 7695699, 8218237, 19344236). In COL2A1, variants affecting these glycine residues are significantly enriched in individuals with disease (PMID: 9016532, 17078022) compared to the general population (ExAC). In summary, the currently available evidence indicates that the variant is pathogenic, but additional data are needed to prove that conclusively. Therefore, this variant has been classified as Likely Pathogenic.

Literature cited by the submitters: PubMed 7695699; PubMed 8218237; PubMed 19344236; PubMed 9016532; PubMed 17078022.

NM_001844.5(COL2A1):c.890G>A (p.Gly297Asp)

Gene: COL2A1 (collagen type II alpha 1 chain; minus strand). Cytogenetic location: 12q13.11.
Variant type: single nucleotide variant.
Coding change: c.890G>A on transcript NM_001844.5 (MANE Select); coding-DNA position 890, G replaced by A.
Protein change: p.Gly297Asp; replaces glycine 297 with aspartic acid.
Molecular consequence: missense variant.
Genome position (GRCh38, 1-based): chr12:47,993,843, C>T on the plus strand (G>A on the coding strand, the complement: COL2A1 is on the minus strand). VCF-style: chr12-47993843-C-T. GRCh37 (hg19) VCF-style: chr12-48387626-C-T.
Other names: c.683G>A, p.Gly228Asp (NM_033150.3); short protein forms G228D, G297D.
Identifiers: ClinVar variation 2747753 (VCV002747753.3), dbSNP rs2540168526, ClinGen allele CA384521924.